The following is an entry in ClinVar:

ClinVar aggregate classification (germline): Pathogenic/Likely pathogenic. Review status: criteria provided, multiple submitters, no conflicts (2 of 4 stars). 3 submissions from 3 submitters: Pathogenic (2); Likely pathogenic (1). Last evaluated 2026-03-17.

Conditions:
Alport syndrome 3b, autosomal recessive. Identifiers: MedGen C5882699, MONDO:0957811, OMIM 620536.
Hematuria, benign familial, 2 (BFH2). Identifiers: MedGen C5830421, MONDO:0958186, OMIM 620320.
Autosomal dominant Alport syndrome (ATS3A). Also called: Alport syndrome dominant type; Renal failure and sensorineural hearing loss; ALPORT SYNDROME 3A, AUTOSOMAL DOMINANT. Identifiers: Orphanet 63, Orphanet 88918, MedGen C5882663, MONDO:0007086, OMIM 104200.
COL4A3-related disorder. Also called: COL4A3-Related Disorders; COL4A3-related condition.

Submissions (3):

PreventionGenetics, part of Exact Sciences
Classification: Pathogenic for COL4A3-related condition. Last evaluated: 2026-03-17. Review status: criteria provided, single submitter. Criteria: ACMG Guidelines, 2015. Collection method: clinical testing. Allele origin: germline.
Comment: The COL4A3 c.1407delA variant is predicted to result in a frameshift and premature protein termination (p.Gly470Glufs*28). This variant has been reported in individual(s) with Alport syndrome (see for example, Ben Moshe et al. 2022. PubMed ID: 36239278). This variant is reported in 0.0087% of alleles in individuals of Latino descent in gnomAD. Frameshift variants in COL4A3 are expected to be pathogenic. This variant is interpreted as pathogenic.

Labcorp Genetics (formerly Invitae), Labcorp
Classification: Pathogenic. Last evaluated: 2025-04-20. Review status: criteria provided, single submitter. Criteria: Invitae Variant Classification Sherloc (09022015). Collection method: clinical testing. Allele origin: germline.
Comment: This sequence change creates a premature translational stop signal (p.Gly470Glufs*28) in the COL4A3 gene. It is expected to result in an absent or disrupted protein product. Loss-of-function variants in COL4A3 are known to be pathogenic (PMID: 8956999, 24854265, 26809805, 27281700). This variant is present in population databases (rs766025194, gnomAD 0.009%). This variant has not been reported in the literature in individuals affected with COL4A3-related conditions. ClinVar contains an entry for this variant (Variation ID: 842545). For these reasons, this variant has been classified as Pathogenic.

Fulgent Genetics
Classification: Likely pathogenic for Autosomal dominant Alport syndrome; Hematuria, benign familial, 2; Alport syndrome 3b, autosomal recessive. Last evaluated: 2024-05-20. Review status: criteria provided, single submitter. Criteria: ACMG Guidelines, 2015. Collection method: clinical testing. Allele origin: germline.

Literature cited by the submitters: PubMed 8956999 (cited by Labcorp Genetics (formerly Invitae), Labcorp); PubMed 24854265 (cited by Labcorp Genetics (formerly Invitae), Labcorp); PubMed 26809805 (cited by Labcorp Genetics (formerly Invitae), Labcorp); PubMed 27281700 (cited by Labcorp Genetics (formerly Invitae), Labcorp).

NM_000091.5(COL4A3):c.1407del (p.Gly470fs)

Genes: MFF-DT (MFF divergent transcript; minus strand), COL4A3 (collagen type IV alpha 3 chain; plus strand). Cytogenetic location: 2q36.3.
Variant type: Deletion.
Coding change: c.1407del on transcript NM_000091.5 (MANE Select); coding-DNA position 1407, one base deleted (A; older notation c.1407delA).
Protein change: p.Gly470fs; shifts the reading frame from glycine 470.
Molecular consequence: frameshift variant.
Genome position (GRCh38, 1-based): chr2:227,266,508, A deleted; the last of 3 consecutive A bases (chr2:227,266,506-227,266,508); deleting any one gives the same sequence. VCF-style (leftmost placement, unchanged base first): chr2-227266505-CA-C. GRCh37 (hg19) VCF-style: chr2-228131221-CA-C.
Other names: c.1407delA (NM_000091.4); short protein forms G470fs.
Identifiers: ClinVar variation 842545 (VCV000842545.11), dbSNP rs766025194, ClinGen allele CA2146636.